The following is an entry in ClinVar:

ClinVar aggregate classification (germline): Conflicting classifications of pathogenicity. Review status: criteria provided, conflicting classifications (1 of 4 stars). 7 submissions from 7 submitters: Pathogenic (1); Likely pathogenic (3); Uncertain significance (2). 1 of the submissions does not count toward it. Last evaluated 2026-04-03.

Conditions:
Congenital myasthenic syndrome (CMS). Also called: Congenital Myasthenic Syndromes. Identifiers: Orphanet 590, MedGen C0751882, MeSH D020294, MONDO:0018940.
Congenital myasthenic syndrome 4A. Also called: Myasthenic syndrome, congenital, 4a, slow-channel; CONGENITAL MYASTHENIC SYNDROME TYPE Ia1; MYASTHENIC SYNDROME, CONGENITAL, 4A, SLOW-CHANNEL, AUTOSOMAL RECESSIVE. Identifiers: Orphanet 590, MedGen C4225413, MONDO:0011600, OMIM 605809.
Congenital myasthenic syndrome 4B. Also called: Myasthenic syndrome, congenital, 4b, fast-channel. Identifiers: Orphanet 590, MedGen C4225369, MONDO:0014586, OMIM 616324.
Congenital myasthenic syndrome 4C (CMS4C). Also called: Myasthenic syndrome, congenital, associated with acetylcholine receptor deficiency. Identifiers: Orphanet 590, MedGen C1837091, MONDO:0012157, OMIM 608931.

Submissions (7):

GeneDx
Classification: Likely pathogenic. Last evaluated: 2026-04-03. Review status: criteria provided, single submitter. Criteria: GeneDx Variant Classification Process June 2021. Collection method: clinical testing. Allele origin: germline.
Comment: In silico analysis supports a deleterious effect on splicing; This variant is associated with the following publications: (PMID: 35314707, 38411853, 35175423, 37721175)

Natera, Inc.
Classification: Likely pathogenic for Congenital myasthenic syndrome. Last evaluated: 2024-10-30. Review status: criteria provided, single submitter. Criteria: Natera Variant Classification Schema (03/2026). Collection method: clinical testing. Allele origin: germline.
Comment: The c.501-10_504dup variant in CHRNE is a duplication affecting a canonical splice acceptor site. This variant is rare in the general population with a frequency below the threshold expected for the associated phenotype(s). This variant has been observed in one or more individuals affected with the associated recessive disease, as either homozygous or compound heterozygous with a second variant (PMID: 35175423). Additionally, this variant has been observed to segregate in affected family members (PMID: 35175423, 37721175). Given the available evidence, this variant is classified as Likely Pathogenic.

Fulgent Genetics
Classification: Pathogenic for Congenital myasthenic syndrome 4A; Congenital myasthenic syndrome 4C; Congenital myasthenic syndrome 4B. Last evaluated: 2024-05-28. Review status: criteria provided, single submitter. Criteria: ACMG Guidelines, 2015. Collection method: clinical testing. Allele origin: germline.

Labcorp Genetics (formerly Invitae), Labcorp
Classification: Likely pathogenic for Congenital myasthenic syndrome 4A. Last evaluated: 2024-04-09. Review status: criteria provided, single submitter. Criteria: Invitae Variant Classification Sherloc (09022015). Collection method: clinical testing. Allele origin: germline.
Comment: This sequence change falls in intron 5 of the CHRNE gene. It does not directly change the encoded amino acid sequence of the CHRNE protein. This variant is present in population databases (rs768552387, gnomAD 0.01%). This variant has been observed in individuals with clinical features of autosomal recessive congenital myasthenic syndrome (Invitae). This variant is also known as p.Gln169Glyfs*19. ClinVar contains an entry for this variant (Variation ID: 465862). In summary, the currently available evidence indicates that the variant is pathogenic, but additional data are needed to prove that conclusively. Therefore, this variant has been classified as Likely Pathogenic.

Baylor Genetics
Classification: Uncertain significance for Congenital myasthenic syndrome 4A. Last evaluated: 2024-01-20. Review status: criteria provided, single submitter. Criteria: ACMG Guidelines, 2015. Collection method: clinical testing. Allele origin: unknown.

Revvity Omics, Revvity
Classification: Uncertain significance. Last evaluated: 2020-09-15. Review status: criteria provided, single submitter. Criteria: ACMG Guidelines, 2015. Collection method: clinical testing. Allele origin: germline.

MOLECULAR BIOLOGY AND HUMAN GENETICS DIVISION, THE UNIVERSITY OF BURDWAN
Classification: Pathogenic for Congenital myasthenic syndrome 4A. Last evaluated: 2021-06-21. Review status: no assertion criteria provided. Collection method: research. Allele origin: germline. Inheritance: Autosomal recessive inheritance. Affected: yes. Observed: 1 homozygote. Not counted in ClinVar's aggregate classification.
Comment: We considered this variant (NM_000080: exon6: c.504_505ins GGCTCCGCAGCTCT: p.Q169Gfs*19) as pathogenic because Splice AI prediction showed the significant change like Acceptor Gain score 0.80. Also, CADD score 32.0 represented as disease causing. This variant was presented as homozygous condition and it produces truncated protein after the p.Q169G substitution, premature termination of translation occurs after 19 amino acids downstream.

Literature cited by the submitters: PubMed 35175423 (cited by Natera, Inc.); PubMed 37721175 (cited by Natera, Inc.).

NM_000080.4(CHRNE):c.501-10_504dup

Genes: C17orf107 (chromosome 17 open reading frame 107; plus strand), CHRNE (cholinergic receptor nicotinic epsilon subunit; minus strand). Cytogenetic location: 17p13.2.
Variant type: Duplication.
Coding change: c.501-10_504dup on transcript NM_000080.4 (MANE Select); 10 bases into the intron before coding-DNA position 501 through coding-DNA position 504, 14 bases duplicated (GGCTCCGCAGCTCT).
Molecular consequence: splice acceptor variant. On other transcripts: 3 prime UTR variant (1).
Genome position (GRCh38, 1-based): chr17:4,901,622-4,901,635, AGAGCTGCGGAGCC duplicated on the plus strand (GGCTCCGCAGCTCT on the coding strand, the reverse complement: CHRNE is on the minus strand); duplicating any 14 consecutive bases within chr17:4,901,622-4,901,637 gives the same sequence; the c. name uses the placement nearest the transcript's 3' end. VCF-style (leftmost placement, unchanged base first): chr17-4901621-G-GAGAGCTGCGGAGCC. GRCh37 (hg19) VCF-style: chr17-4804916-G-GAGAGCTGCGGAGCC.
Other names: c.501-10_504dup (NM_000080.3); c.*1091_*1104dup (NM_001145536.2); c.504_505insGGCTCCGCAGCTCT (NM_000080.4).
Identifiers: ClinVar variation 465862 (VCV000465862.20), dbSNP rs768552387, ClinGen allele CA8314376.